The following is an entry in ClinVar:

ClinVar aggregate classification (germline): Uncertain significance (1 of 4 stars; one submission).

Submission:

Women's Health and Genetics/Laboratory Corporation of America, LabCorp
Classification: Uncertain significance. Last evaluated: 2024-09-11. Review status: criteria provided, single submitter. Criteria: LabCorp Variant Classification Summary - May 2015. Collection method: clinical testing. Allele origin: germline.
Comment: Variant summary: ABCC8 c.3429C>A (p.Ser1143Arg) results in a non-conservative amino acid change located in the ABC transporter type 1, transmembrane domain (IPR011527) of the encoded protein sequence. Four of five in-silico tools predict a damaging effect of the variant on protein function. The frequency data for this variant in gnomAD is considered unreliable, as metrics indicate poor data quality at this position. To our knowledge, no occurrence of c.3429C>A in individuals affected with Familial Hyperinsulinism and no experimental evidence demonstrating its impact on protein function have been reported. No submitters have cited clinical-significance assessments for this variant to ClinVar. Based on the evidence outlined above, the variant was classified as uncertain significance.

NM_000352.6(ABCC8):c.3429C>A (p.Ser1143Arg)

Gene: ABCC8 (ATP binding cassette subfamily C member 8; minus strand). Cytogenetic location: 11p15.1.
Variant type: single nucleotide variant.
Coding change: c.3429C>A on transcript NM_000352.6 (MANE Select); coding-DNA position 3429, C replaced by A.
Protein change: p.Ser1143Arg; replaces serine 1143 with arginine.
Molecular consequence: missense variant. On other transcripts: non-coding transcript variant (1).
Genome position (GRCh38, 1-based): chr11:17,404,640, G>T on the plus strand (C>A on the coding strand, the complement: ABCC8 is on the minus strand). VCF-style: chr11-17404640-G-T. GRCh37 (hg19) VCF-style: chr11-17426187-G-T.
Other names: c.3432C>A, p.Ser1144Arg (NM_001287174.3); c.3495C>A, p.Ser1165Arg (NM_001351295.2); c.3429C>A, p.Ser1143Arg (NM_001351296.2); c.3426C>A, p.Ser1142Arg (NM_001351297.2); short protein forms S1142R, S1143R, S1144R, S1165R.
Identifiers: ClinVar variation 3374891 (VCV003374891.1).
Genomic context (GRCh38, chr11:17,404,640, plus strand): 5'-GAACACAGGTGTGACATAGGAGATGACGGCCAGGGCTGAGACACAGAGCAGGGTGGAGCG[G>T]CTCAGGCACTCCAGCGTGGATGGGATGTGCTGAGGGAGACGAGGGGGAGAGAGTGAGGTG-3'
Protein context (NP_000343.2, residues 1133-1153): QHIPSTLECL[Ser1143Arg]RSTLLCVSAL